The following is an entry in ClinVar:

ClinVar aggregate classification (germline): Likely benign (1 of 4 stars; one submission).

Submission:

CeGaT Center for Human Genetics Tuebingen
Classification: Likely benign. Last evaluated: 2023-07-01. Review status: criteria provided, single submitter. Criteria: CeGaT Center For Human Genetics Tuebingen Variant Classification Criteria Version 2. Collection method: clinical testing. Allele origin: germline. Affected: yes. Observed: 1 variant allele.
Comment: DCHS1: PM2:Supporting, BP4, BP7

NM_003737.4(DCHS1):c.6051T>G (p.Thr2017=)

Gene: DCHS1 (dachsous cadherin-related 1; minus strand). Cytogenetic location: 11p15.4.
Variant type: single nucleotide variant.
Coding change: c.6051T>G on transcript NM_003737.4 (MANE Select); coding-DNA position 6051, T replaced by G.
Protein change: p.Thr2017=; no amino-acid change (threonine 2017 retained).
Molecular consequence: synonymous variant.
Genome position (GRCh38, 1-based): chr11:6,626,988, A>C on the plus strand (T>G on the coding strand, the complement: DCHS1 is on the minus strand). VCF-style: chr11-6626988-A-C. GRCh37 (hg19) VCF-style: chr11-6648219-A-C.
Identifiers: ClinVar variation 2641564 (VCV002641564.24), dbSNP rs2493818357, ClinGen allele CA472925735.